The following is an entry in ClinVar:

NM_000465.4(BARD1):c.1133_1135delinsCC (p.Arg378fs)

Gene: BARD1 (BRCA1 associated RING domain 1; minus strand). Cytogenetic location: 2q35.
Variant type: Indel.
Coding change: c.1133_1135delinsCC on transcript NM_000465.4 (MANE Select); coding-DNA positions 1133 to 1135, GGA replaced by CC.
Protein change: p.Arg378fs; shifts the reading frame from arginine 378.
Molecular consequence: frameshift variant. On other transcripts: non-coding transcript variant (2), intron variant (3).
Genome position (GRCh38, 1-based): chr2:214,780,739-214,780,741, TCC replaced by GG on the plus strand (GGA replaced by CC on the coding strand, the reverse complement: BARD1 is on the minus strand). VCF-style: chr2-214780739-TCC-GG. GRCh37 (hg19) VCF-style: chr2-215645463-TCC-GG.
Other names: c.1076_1078delinsCC, p.Arg359fs (NM_001282543.2); c.159-28186_159-28184delinsCC (NM_001282548.2); c.215+16320_215+16322delinsCC (NM_001282545.2); c.364+11556_364+11558delinsCC (NM_001282549.2); short protein forms R378fs, R359fs.
Identifiers: ClinVar variation 1728915 (VCV001728915.4), dbSNP rs2469503276, ClinGen allele CA2580065627.
Genomic context (GRCh38, chr2:214,780,739, plus strand): 5'-ATGTAGAAGGTGGTGTACCTGGTGAAAGACTAATGAATTCATCGGACATGTTACTGTTTT[TCC>GG]TCCCTGATGTACCACCAACTTTACGTTTGCATGAAGGTGGTGAAGAACATTCAGGCAATG-3'

ClinVar aggregate classification (germline): Pathogenic. Review status: criteria provided, multiple submitters, no conflicts (2 of 4 stars). 2 submissions from 2 submitters: Pathogenic (2). Last evaluated 2024-06-20.

Conditions:
BARD1-related cancer predisposition. Identifiers: MedGen CN377756, MONDO:0700267.
Hereditary cancer-predisposing syndrome. Also called: Tumor predisposition; Neoplastic Syndromes, Hereditary; Hereditary Cancer Syndrome; Hereditary neoplastic syndrome. Identifiers: Orphanet 140162, MedGen C0027672, MeSH D009386, MONDO:0015356.

Submissions (2):

Ambry Genetics
Classification: Pathogenic for Hereditary cancer-predisposing syndrome. Last evaluated: 2024-06-20. Review status: criteria provided, single submitter. Criteria: Ambry Variant Classification Scheme 2023. Collection method: clinical testing. Allele origin: germline.
Comment: The c.1133_1135delGGAinsCC pathogenic mutation, located in coding exon 4 of the BARD1 gene, results from the deletion of 3 nucleotides and insertion of two nucleotides causing a translational frameshift with a predicted alternate stop codon (p.R378Tfs*22). This variant is considered to be rare based on population cohorts in the Genome Aggregation Database (gnomAD). This alteration is expected to result in loss of function by premature protein truncation or nonsense-mediated mRNA decay. As such, this alteration is interpreted as a disease-causing mutation.

Department of Pathology and Laboratory Medicine, Sinai Health System
Classification: Pathogenic for BARD1-related cancer predisposition. Last evaluated: 2020-11-13. Review status: criteria provided, single submitter. Criteria: ACMG Guidelines, 2015. Collection method: clinical testing. Allele origin: germline. Affected: no.